The following is an entry in ClinVar:

ClinVar aggregate classification (germline): Likely benign. Review status: criteria provided, multiple submitters, no conflicts (2 of 4 stars). 4 submissions from 4 submitters: Likely benign (4). Last evaluated 2026-01-11.

Conditions:
Cardiovascular phenotype. Identifiers: MedGen CN230736.
Myofibrillar myopathy 6. Identifiers: Orphanet 199340, MedGen C2751831, MONDO:0013061, OMIM 612954.
Dilated cardiomyopathy 1HH (CMD1HH). Identifiers: Orphanet 154, MedGen C3151293, MONDO:0013479, OMIM 613881.

Allele frequency attached by ClinVar (database versions not stated): gnomAD exomes 0.00001 and below 0.00001; gnomAD 0.00003; TOPMed 0.00004; ExAC below 0.00001.
gnomAD v4.1: 20 of 1,610,378 alleles (0.0012%); highest among the groups gnomAD compares: South Asian, 0.0088%; 1 homozygote.

Submissions (4):

Labcorp Genetics (formerly Invitae), Labcorp
Classification: Likely benign for Dilated cardiomyopathy 1HH; Myofibrillar myopathy 6. Last evaluated: 2026-01-11. Review status: criteria provided, single submitter. Criteria: Invitae Variant Classification Sherloc (09022015). Collection method: clinical testing. Allele origin: germline.

Ambry Genetics
Classification: Likely benign for Cardiovascular phenotype. Last evaluated: 2024-07-04. Review status: criteria provided, single submitter. Criteria: Ambry Variant Classification Scheme 2023. Collection method: clinical testing. Allele origin: germline.

CeGaT Center for Human Genetics Tuebingen
Classification: Likely benign. Last evaluated: 2022-03-01. Review status: criteria provided, single submitter. Criteria: CeGaT Center For Human Genetics Tuebingen Variant Classification Criteria Version 2. Collection method: clinical testing. Allele origin: germline. Affected: yes. Observed: 1 variant allele.
Comment: BAG3: BP4, BP7

GeneDx
Classification: Likely benign. Last evaluated: 2021-06-15. Review status: criteria provided, single submitter. Criteria: GeneDx Variant Classification Process June 2021. Collection method: clinical testing. Allele origin: germline. Affected: yes.

NM_004281.4(BAG3):c.468G>A (p.Ala156=)

Gene: BAG3 (BAG cochaperone 3; plus strand). Cytogenetic location: 10q26.11.
Variant type: single nucleotide variant.
Coding change: c.468G>A on transcript NM_004281.4 (MANE Select); coding-DNA position 468, G replaced by A.
Protein change: p.Ala156=; no amino-acid change (alanine 156 retained).
Molecular consequence: synonymous variant.
Genome position (GRCh38, 1-based): chr10:119,670,138, G>A. VCF-style: chr10-119670138-G-A. GRCh37 (hg19) VCF-style: chr10-121429650-G-A.
Identifiers: ClinVar variation 681110 (VCV000681110.37), dbSNP rs752056366, ClinGen allele CA5716325.
Genomic context (GRCh38, chr10:119,670,138, plus strand): 5'-ACCTCTGCGGGGCATGCCAGAAACCACTCAGCCAGATAAACAGTGTGGACAGGTGGCAGC[G>A]GCGGCGGCAGCCCAGCCCCCAGCCTCCCACGGACCTGAGGTAAGGAGAGGCCAGGCTCAC-3'
Protein context (NP_004272.2, residues 146-166): QPDKQCGQVA[Ala156=]AAAAQPPASH